The following is an entry in ClinVar:

ClinVar aggregate classification (germline): Uncertain significance (1 of 4 stars; one submission).

Conditions:
PEX2-related disorder. Also called: PEX2-related condition.

gnomAD v4.1: 2 of 1,614,120 alleles (0.00012%); highest among the groups gnomAD compares: Non-Finnish European, 0.000085%; no homozygotes.

Submission:

PreventionGenetics, part of Exact Sciences
Classification: Uncertain significance for PEX2-related condition. Last evaluated: 2025-01-07. Review status: criteria provided, single submitter. Criteria: ACMG Guidelines, 2015. Collection method: clinical testing. Allele origin: germline.
Comment: The PEX2 c.595G>A variant is predicted to result in the amino acid substitution p.Gly199Ser. To our knowledge, this variant has not been reported in the literature or in a large population database (gnomAD), indicating this variant is rare. At this time, the clinical significance of this variant is uncertain due to the absence of conclusive functional and genetic evidence.

NM_000318.3(PEX2):c.595G>A (p.Gly199Ser)

Gene: PEX2 (peroxisomal biogenesis factor 2; minus strand). Cytogenetic location: 8q21.13.
Variant type: single nucleotide variant.
Coding change: c.595G>A on transcript NM_000318.3 (MANE Select); coding-DNA position 595, G replaced by A.
Protein change: p.Gly199Ser; replaces glycine 199 with serine.
Molecular consequence: missense variant.
Genome position (GRCh38, 1-based): chr8:76,983,584, C>T on the plus strand (G>A on the coding strand, the complement: PEX2 is on the minus strand). VCF-style: chr8-76983584-C-T. GRCh37 (hg19) VCF-style: chr8-77895820-C-T.
Other names: c.595G>A, p.Gly199Ser (NM_001079867.2, NM_001172086.2, NM_001172087.2); short protein forms G199S.
Identifiers: ClinVar variation 5001572 (VCV005001572.1).
Genomic context (GRCh38, chr8:76,983,584, plus strand): 5'-TGGCTTTCAACTTCTGGACATTGATAAGTGGTAAGAGAAAAATCAGAAATTCAGCAAAAC[C>T]ATGCCAGAGAAGTTCCCTATTCATGTATTCAAAGCCAACTTCACATATGTTTTGAGGCTT-3'
Protein context (NP_000309.2, residues 189-209): EYMNRELLWH[Gly199Ser]FAEFLIFLLP